The following is an entry in ClinVar:

ClinVar aggregate classification (germline): Uncertain significance. Review status: criteria provided, multiple submitters, no conflicts (2 of 4 stars). 2 submissions from 2 submitters: Uncertain significance (2). Last evaluated 2018-07-25.

Submissions (2):

ARUP Laboratories, Molecular Genetics and Genomics, ARUP Laboratories
Classification: Uncertain significance. Last evaluated: 2018-07-25. Review status: criteria provided, single submitter. Criteria: ARUP Molecular Germline Variant Investigation Process. Collection method: clinical testing. Allele origin: germline.
Comment: The RYR2 c.3565G>A; p.Glu1189Lys variant (rs794728732), to our knowledge, is not reported in the medical literature or gene specific databases. This variant is reported as uncertain significance in ClinVar (Variation ID: 201245), and is absent from general population databases (1000 Genomes Project, Exome Variant Server, and Genome Aggregation Database), indicating it is not a common polymorphism. The glutamic acid at codon 1189 is highly conserved, and computational analyses (SIFT, PolyPhen-2) predict that this variant is deleterious. Due to limited information, the clinical significance of the c.3565G>A; p.Glu1189Lys variant is uncertain at this time.

GeneDx
Classification: Uncertain significance. Last evaluated: 2014-08-12. Review status: criteria provided, single submitter. Criteria: GeneDx Variant Classification (06012015). Collection method: clinical testing. Allele origin: germline. Affected: yes.
Comment: p.Glu1189Lys (GAA>AAA): c.3565 G>A in exon 29 of the RYR2 gene (NM_001035.2). The E1189K variant has not been published as a mutation, nor has it been reported as a benign polymorphism to our knowledge. The E1189K variant was not observed in approximately 6,200 individuals of European and African American ancestry in the NHLBI Exome Sequencing Project, indicating it is not a common benign variant in these populations. The E1189K variant is a non-conservative amino acid substitution, which is likely to impact secondary protein structure as these residues differ in polarity, charge, size and/or other properties. Additionally, this substitution occurs at a position that is conserved across species and in silico analysis predicts this variant is probably damaging to the protein structure/function. However, missense mutations in nearby residues have not been reported, indicating this region of the protein may be tolerant of change. Therefore, based on the currently available information, it is unclear whether this variant is a pathogenic mutation or a rare benign variant. The variant is found in ARRHYTHMIA panel(s).

NM_001035.3(RYR2):c.3565G>A (p.Glu1189Lys)

Gene: RYR2 (ryanodine receptor 2; plus strand). Cytogenetic location: 1q43.
Variant type: single nucleotide variant.
Coding change: c.3565G>A on transcript NM_001035.3 (MANE Select); coding-DNA position 3565, G replaced by A.
Protein change: p.Glu1189Lys; replaces glutamic acid 1189 with lysine.
Molecular consequence: missense variant.
Genome position (GRCh38, 1-based): chr1:237,569,286, G>A. VCF-style: chr1-237569286-G-A. GRCh37 (hg19) VCF-style: chr1-237732586-G-A.
Other names: p.E1189K:GAA>AAA; c.3565G>A, p.Glu1189Lys (LRG_402t1); short protein forms E1189K.
Identifiers: ClinVar variation 201239 (VCV000201239.10), dbSNP rs794728732, ClinGen allele CA009259.